The following is an entry in ClinVar:

ClinVar aggregate classification (germline): Uncertain significance (1 of 4 stars; one submission).

Conditions:
PLXNA4-related disorder. Also called: PLXNA4-related condition.

gnomAD v4.1: 5 of 1,614,256 alleles (0.00031%); highest among the groups gnomAD compares: East Asian, 0.0067%; no homozygotes.

Submission:

PreventionGenetics, part of Exact Sciences
Classification: Uncertain significance for PLXNA4-related condition. Last evaluated: 2025-12-30. Review status: criteria provided, single submitter. Criteria: ACMG Guidelines, 2015. Collection method: clinical testing. Allele origin: germline.
Comment: The PLXNA4 c.1486T>C variant is predicted to result in the amino acid substitution p.Cys496Arg. To our knowledge, this variant has not been reported in the literature. This variant is reported in 0.016% of alleles in individuals of East Asian descent in gnomAD. At this time, the clinical significance of this variant is uncertain due to the absence of conclusive functional and genetic evidence.

NM_020911.2(PLXNA4):c.1371+4393T>C

Gene: PLXNA4 (plexin A4; minus strand). Cytogenetic location: 7q32.3.
Variant type: single nucleotide variant.
Coding change: c.1371+4393T>C on transcript NM_020911.2 (MANE Select); 4393 bases into the intron after coding-DNA position 1371, T replaced by C.
Molecular consequence: intron variant. On other transcripts: missense variant (1).
Genome position (GRCh38, 1-based): chr7:132,484,899, A>G on the plus strand (T>C on the coding strand, the complement: PLXNA4 is on the minus strand). VCF-style: chr7-132484899-A-G. GRCh37 (hg19) VCF-style: chr7-132169658-A-G.
Other names: c.1486T>C, p.Cys496Arg (NM_181775.4); c.1371+4393T>C (NM_001393897.1, NM_001105543.2); short protein forms C496R.
Identifiers: ClinVar variation 4986558 (VCV004986558.1).